The following is an entry in ClinVar:

NM_000133.4(F9):c.1106_1113del (p.Leu369fs)

Gene: F9 (coagulation factor IX; plus strand). Cytogenetic location: Xq27.1.
Variant type: Deletion.
Coding change: c.1106_1113del on transcript NM_000133.4 (MANE Select); coding-DNA positions 1106 to 1113, 8 bases deleted (TTCAGTAC; older notation c.1106_1113delTTCAGTAC).
Protein change: p.Leu369fs; shifts the reading frame from leucine 369.
Molecular consequence: frameshift variant.
Genome position (GRCh38, 1-based): chrX:139,561,791-139,561,798, TTCAGTAC deleted; deleting any 8 consecutive bases within chrX:139,561,790-139,561,798 gives the same sequence; the c. name uses the placement nearest the transcript's 3' end. VCF-style (leftmost placement, unchanged base first): chrX-139561789-TCTTCAGTA-T. GRCh37 (hg19) VCF-style: chrX-138643948-TCTTCAGTA-T.
Other names: c.992_999del, p.Leu331fs (NM_001313913.2); short protein forms L331fs, L369fs.
Identifiers: ClinVar variation 811407 (VCV000811407.8), dbSNP rs1603267391, ClinGen allele CA915951979.

ClinVar aggregate classification (germline): Pathogenic (1 of 4 stars; one submission).

Submission:

ARUP Laboratories, Molecular Genetics and Genomics, ARUP Laboratories
Classification: Pathogenic. Last evaluated: 2019-04-22. Review status: criteria provided, single submitter. Criteria: ARUP Molecular Germline Variant Investigation Process. Collection method: clinical testing. Allele origin: germline.
Comment: The F9 c.1106_1113delTTCAGTAC; p.Leu369fs variant, to our knowledge, is not reported in the medical literature or gene specific databases. This variant is also absent from general population databases (Exome Variant Server, Genome Aggregation Database), indicating it is not a common polymorphism. This variant causes a frameshift by deleting 8 nucleotides, so it is predicted to result in a truncated protein or mRNA subject to nonsense-mediated decay. Based on available information, this variant is considered to be pathogenic.